The following is an entry in ClinVar:

ClinVar aggregate classification (germline): Uncertain significance (1 of 4 stars; one submission).

Conditions:
X-linked Emery-Dreifuss muscular dystrophy. Also called: Muscular dystrophy, tardive Emery-Dreifuss type, with contractures. Identifiers: Orphanet 261, Orphanet 98863, MedGen C0751337, MONDO:0010680.

Submission:

Labcorp Genetics (formerly Invitae), Labcorp
Classification: Uncertain significance for X-linked Emery-Dreifuss muscular dystrophy. Last evaluated: 2025-12-13. Review status: criteria provided, single submitter. Criteria: Invitae Variant Classification Sherloc (09022015). Collection method: clinical testing. Allele origin: germline.
Comment: This sequence change replaces aspartic acid, which is acidic and polar, with glycine, which is neutral and non-polar, at codon 70 of the EMD protein (p.Asp70Gly). This variant is not present in population databases (gnomAD no frequency). This variant has not been reported in the literature in individuals affected with EMD-related conditions. ClinVar contains an entry for this variant (Variation ID: 3695892). Invitae Evidence Modeling of protein sequence and biophysical properties (such as structural, functional, and spatial information, amino acid conservation, physicochemical variation, residue mobility, and thermodynamic stability) indicates that this missense variant is not expected to disrupt EMD protein function with a negative predictive value of 80%. In summary, the available evidence is currently insufficient to determine the role of this variant in disease. Therefore, it has been classified as a Variant of Uncertain Significance.

NM_000117.3(EMD):c.209A>G (p.Asp70Gly)

Gene: EMD (emerin; plus strand). Cytogenetic location: Xq28.
Variant type: single nucleotide variant.
Coding change: c.209A>G on transcript NM_000117.3 (MANE Select); coding-DNA position 209, A replaced by G.
Protein change: p.Asp70Gly; replaces aspartic acid 70 with glycine.
Molecular consequence: missense variant.
Genome position (GRCh38, 1-based): chrX:154,379,963, A>G. VCF-style: chrX-154379963-A-G. GRCh37 (hg19) VCF-style: chrX-153608323-A-G.
Other names: short protein forms D70G.
Identifiers: ClinVar variation 3695892 (VCV003695892.2).
Genomic context (GRCh38, chrX:154,379,963, plus strand): 5'-TGGGGGGGCAAACAGTTCTGTCTCCTCCTTTCAATCCAGACTTGAATTCGACTAGAGGGG[A>G]TGCAGATATGTATGATCTTCCCAAGAAAGAGGACGCTTTACTCTACCAGAGCAAGGGTAA-3'
Protein context (NP_000108.1, residues 60-80): SFSDLNSTRG[Asp70Gly]ADMYDLPKKE